The following is an entry in ClinVar:

NM_001291303.3(FAT4):c.4837T>A (p.Ser1613Thr)

Gene: FAT4 (FAT atypical cadherin 4; plus strand). Cytogenetic location: 4q28.1.
Variant type: single nucleotide variant.
Coding change: c.4837T>A on transcript NM_001291303.3 (MANE Select); coding-DNA position 4837, T replaced by A.
Protein change: p.Ser1613Thr; replaces serine 1613 with threonine.
Molecular consequence: missense variant.
Genome position (GRCh38, 1-based): chr4:125,321,248, T>A. VCF-style: chr4-125321248-T-A. GRCh37 (hg19) VCF-style: chr4-126242403-T-A.
Other names: c.4837T>A, p.Ser1613Thr (NM_001291285.3, NM_024582.6); short protein forms S1613T.
Identifiers: ClinVar variation 2373057 (VCV002373057.4), dbSNP rs767606047, ClinGen allele CA3072530.

ClinVar aggregate classification (germline): Uncertain significance. Review status: criteria provided, multiple submitters, no conflicts (2 of 4 stars). 2 submissions from 2 submitters: Uncertain significance (2). Last evaluated 2024-04-14.

Conditions:
Inborn genetic diseases. Identifiers: MedGen C0950123, MeSH D030342.

Allele frequency attached by ClinVar (database versions not stated): ExAC 0.00002; TOPMed 0.00002; gnomAD 0.00003.
gnomAD v4.1: 70 of 1,614,010 alleles (0.0043%); highest among the groups gnomAD compares: Non-Finnish European, 0.0058%; no homozygotes.

Submissions (2):

Labcorp Genetics (formerly Invitae), Labcorp
Classification: Uncertain significance. Last evaluated: 2024-04-14. Review status: criteria provided, single submitter. Criteria: Invitae Variant Classification Sherloc (09022015). Collection method: clinical testing. Allele origin: germline.
Comment: This sequence change replaces serine, which is neutral and polar, with threonine, which is neutral and polar, at codon 1613 of the FAT4 protein (p.Ser1613Thr). This variant is present in population databases (rs767606047, gnomAD 0.003%). This variant has not been reported in the literature in individuals affected with FAT4-related conditions. ClinVar contains an entry for this variant (Variation ID: 2373057). Advanced modeling of protein sequence and biophysical properties (such as structural, functional, and spatial information, amino acid conservation, physicochemical variation, residue mobility, and thermodynamic stability) performed at Invitae indicates that this missense variant is not expected to disrupt FAT4 protein function with a negative predictive value of 95%. In summary, the available evidence is currently insufficient to determine the role of this variant in disease. Therefore, it has been classified as a Variant of Uncertain Significance.

Ambry Genetics
Classification: Uncertain significance for Inborn genetic diseases. Last evaluated: 2022-11-07. Review status: criteria provided, single submitter. Criteria: Ambry Variant Classification Scheme 2023. Collection method: clinical testing. Allele origin: germline.